The following is an entry in ClinVar:

ClinVar aggregate classification (germline): Likely benign. Review status: criteria provided, multiple submitters, no conflicts (2 of 4 stars). 5 submissions from 5 submitters: Likely benign (5). Last evaluated 2026-01-20.

Conditions:
Inborn genetic diseases. Identifiers: MedGen C0950123, MeSH D030342.
Progressive myoclonic epilepsy type 7. Identifiers: Orphanet 435438, MedGen C4015420, MONDO:0014521, OMIM 616187.

Allele frequency attached by ClinVar (database versions not stated): ExAC 0.00004; gnomAD exomes 0.00006; gnomAD 0.00007 and 0.00009; TOPMed 0.00015.
gnomAD v4.1: 168 of 1,613,918 alleles (0.01%); highest among the groups gnomAD compares: African/African-American, 0.017%; no homozygotes.

Submissions (5):

Labcorp Genetics (formerly Invitae), Labcorp
Classification: Likely benign for Progressive myoclonic epilepsy type 7. Last evaluated: 2026-01-20. Review status: criteria provided, single submitter. Criteria: Invitae Variant Classification Sherloc (09022015). Collection method: clinical testing. Allele origin: germline.

CeGaT Center for Human Genetics Tuebingen
Classification: Likely benign. Last evaluated: 2025-12-01. Review status: criteria provided, single submitter. Criteria: CeGaT Center For Human Genetics Tuebingen Variant Classification Criteria Version 2. Collection method: clinical testing. Allele origin: germline. Affected: yes. Observed: 1 variant allele.
Comment: KCNC1: BP4, BP7

Blueprint Genetics
Classification: Likely benign. Last evaluated: 2024-10-21. Review status: criteria provided, single submitter. Criteria: ACMG Guidelines, 2015. Collection method: clinical testing. Allele origin: germline.

GeneDx
Classification: Likely benign. Last evaluated: 2019-11-04. Review status: criteria provided, single submitter. Criteria: GeneDx Variant Classification Process June 2021. Collection method: clinical testing. Allele origin: germline. Affected: yes.

Ambry Genetics
Classification: Likely benign for Inborn genetic diseases. Last evaluated: 2018-01-22. Review status: criteria provided, single submitter. Criteria: Ambry Variant Classification Scheme 2023. Collection method: clinical testing. Allele origin: germline.

NM_001112741.2(KCNC1):c.1065C>T (p.Gly355=)

Gene: KCNC1 (potassium voltage-gated channel subfamily C member 1; plus strand). Cytogenetic location: 11p15.1.
Variant type: single nucleotide variant.
Coding change: c.1065C>T on transcript NM_001112741.2 (MANE Select); coding-DNA position 1065, C replaced by T.
Protein change: p.Gly355=; no amino-acid change (glycine 355 retained).
Molecular consequence: synonymous variant.
Genome position (GRCh38, 1-based): chr11:17,772,159, C>T. VCF-style: chr11-17772159-C-T. GRCh37 (hg19) VCF-style: chr11-17793706-C-T.
Other names: c.1065C>T, p.Gly355= (NM_004976.4).
Identifiers: ClinVar variation 575029 (VCV000575029.21), dbSNP rs533816804, ClinGen allele CA5906768.
Genomic context (GRCh38, chr11:17,772,159, plus strand): 5'-CCACACGCTCCGAGCCAGCACCAACGAGTTCCTGCTGCTCATCATCTTCCTGGCCTTGGG[C>T]GTGCTGATCTTCGCCACCATGATCTACTACGCCGAGAGGATAGGGGCACAGCCCAATGAC-3'
Protein context (NP_001106212.1, residues 345-365): FLLLIIFLAL[Gly355=]VLIFATMIYY